The following is an entry in ClinVar:

NM_001844.5(COL2A1):c.3721del (p.Ala1241fs)

Gene: COL2A1 (collagen type II alpha 1 chain; minus strand). Cytogenetic location: 12q13.11.
Variant type: Deletion.
Coding change: c.3721del on transcript NM_001844.5 (MANE Select); coding-DNA position 3721, one base deleted (G; older notation c.3721delG).
Protein change: p.Ala1241fs; shifts the reading frame from alanine 1241.
Molecular consequence: frameshift variant.
Genome position (GRCh38, 1-based): chr12:47,975,482, C deleted on the plus strand (G on the coding strand, the reverse complement: COL2A1 is on the minus strand); the first of 3 consecutive C bases (chr12:47,975,482-47,975,484); deleting any one gives the same sequence. VCF-style (leftmost placement, unchanged base first): chr12-47975481-GC-G. GRCh37 (hg19) VCF-style: chr12-48369264-GC-G.
Other names: c.3514del, p.Ala1172fs (NM_033150.3); short protein forms A1241fs, A1172fs.
Identifiers: ClinVar variation 2764885 (VCV002764885.3), dbSNP rs2540100393, ClinGen allele CA2697559174.
Genomic context (GRCh38, chr12:47,975,481, plus strand): 5'-GACTTGAGTGTGGCATCCACCTCGGCGTCATGCTGTCTCAGGCCACCGGCTGCCTGGTCG[GC>G]CCGCATGTACTGCAGGGGGTCGGGGCCCTTCTCTCTCGGGCCTAAGCCAGCAAAGGCGGA-3'

ClinVar aggregate classification (germline): Pathogenic (1 of 4 stars; one submission).

Submission:

Labcorp Genetics (formerly Invitae), Labcorp
Classification: Pathogenic. Last evaluated: 2024-02-23. Review status: criteria provided, single submitter. Criteria: Invitae Variant Classification Sherloc (09022015). Collection method: clinical testing. Allele origin: germline.
Comment: This sequence change creates a premature translational stop signal (p.Ala1241Profs*8) in the COL2A1 gene. It is expected to result in an absent or disrupted protein product. Loss-of-function variants in COL2A1 are known to be pathogenic (PMID: 20179744). This variant is not present in population databases (gnomAD no frequency). This variant has not been reported in the literature in individuals affected with COL2A1-related conditions. For these reasons, this variant has been classified as Pathogenic.

Literature cited by the submitters: PubMed 20179744.